The following is an entry in ClinVar:

NM_018993.4(RIN2):c.2000C>A (p.Pro667Gln)

Gene: RIN2 (Ras and Rab interactor 2; plus strand). Cytogenetic location: 20p11.23.
Variant type: single nucleotide variant.
Coding change: c.2000C>A on transcript NM_018993.4 (MANE Select); coding-DNA position 2000, C replaced by A.
Protein change: p.Pro667Gln; replaces proline 667 with glutamine.
Molecular consequence: missense variant.
Genome position (GRCh38, 1-based): chr20:19,990,243, C>A. VCF-style: chr20-19990243-C-A. GRCh37 (hg19) VCF-style: chr20-19970887-C-A.
Other names: c.2147C>A, p.Pro716Gln (NM_001242581.2); c.1382C>A, p.Pro461Gln (NM_001378238.1); short protein forms P461Q, P667Q, P716Q.
Identifiers: ClinVar variation 1320734 (VCV001320734.2), dbSNP rs371995628, ClinGen allele CA408365697.
Genomic context (GRCh38, chr20:19,990,243, plus strand): 5'-ATTTTGTGGATGTGGAGAAAATCAAAGTCAAGTTCATGACCATGCAGAAGATGTATTCGC[C>A]GGAAAAGAAGGTCATGCTGCTGCTGCGGGTCTGCAAGCTCATTTACACGGTCATGGAGAA-3'
Protein context (NP_061866.1, residues 657-677): KFMTMQKMYS[Pro667Gln]EKKVMLLLRV

ClinVar aggregate classification (germline): Uncertain significance (1 of 4 stars; one submission).

Submission:

GeneDx
Classification: Uncertain significance. Last evaluated: 2021-05-04. Review status: criteria provided, single submitter. Criteria: GeneDx Variant Classification Process June 2021. Collection method: clinical testing. Allele origin: germline. Affected: yes.
Comment: Has not been previously published as pathogenic or benign to our knowledge; Not observed in large population cohorts (Lek et al., 2016); In silico analysis supports that this missense variant has a deleterious effect on protein structure/function